The following is an entry in ClinVar:

ClinVar aggregate classification (germline): Likely pathogenic (1 of 4 stars; one submission).

gnomAD v4.1: 2 of 1,613,796 alleles (0.00012%); highest among the groups gnomAD compares: Non-Finnish European, 0.00017%; no homozygotes.

Submission:

Dasa
Classification: Likely pathogenic. Last evaluated: 2026-03-19. Review status: criteria provided, single submitter. Criteria: DASA Assertion Criteria. Collection method: clinical testing. Allele origin: germline.
Comment: NM_025114.4(CEP290):c.3685C>T (p.Gln1229*) is a nonsense variant in CEP290 predicted to introduce a premature termination codon and is predicted to result in an absent or altered protein product. Loss of function is an established disease mechanism for CEP290-associated disorders. Also, this variant is rare in population databases. Based on the currently available evidence, this variant is classified as likely pathogenic.

NM_025114.4(CEP290):c.3685C>T (p.Gln1229Ter)

Gene: CEP290 (centrosomal protein 290; minus strand). Cytogenetic location: 12q21.32.
Variant type: single nucleotide variant.
Coding change: c.3685C>T on transcript NM_025114.4 (MANE Select); coding-DNA position 3685, C replaced by T.
Protein change: p.Gln1229Ter; replaces glutamine 1229 with a stop codon.
Molecular consequence: nonsense.
Genome position (GRCh38, 1-based): chr12:88,089,376, G>A on the plus strand (C>T on the coding strand, the complement: CEP290 is on the minus strand). VCF-style: chr12-88089376-G-A. GRCh37 (hg19) VCF-style: chr12-88483153-G-A.
Other names: short protein forms Q1229*.
Identifiers: ClinVar variation 4856962 (VCV004856962.2).